The following is an entry in ClinVar:

NM_000548.5(TSC2):c.4330C>G (p.Pro1444Ala)

Gene: TSC2 (TSC complex subunit 2; plus strand). Cytogenetic location: 16p13.3.
Variant type: single nucleotide variant.
Coding change: c.4330C>G on transcript NM_000548.5 (MANE Select); coding-DNA position 4330, C replaced by G.
Protein change: p.Pro1444Ala; replaces proline 1444 with alanine.
Molecular consequence: missense variant.
Genome position (GRCh38, 1-based): chr16:2,084,552, C>G. VCF-style: chr16-2084552-C-G. GRCh37 (hg19) VCF-style: chr16-2134553-C-G.
Other names: c.4129C>G, p.Pro1377Ala (NM_001077183.3); c.4261C>G, p.Pro1421Ala (NM_001114382.3); c.4021C>G, p.Pro1341Ala (NM_001318827.2); c.3985C>G, p.Pro1329Ala (NM_001318829.2); c.3598C>G, p.Pro1200Ala (NM_001318831.2); c.4162C>G, p.Pro1388Ala (NM_001318832.2); c.4132C>G, p.Pro1378Ala (NM_001363528.2); c.4198C>G, p.Pro1400Ala (NM_001370404.1); and 2 more; short protein forms P1444A, P1421A, P1329A, P1341A, P1377A, P1388A, P1378A, P1400A.
Identifiers: ClinVar variation 486613 (VCV000486613.23), dbSNP rs1459518095, ClinGen allele CA394301394.

ClinVar aggregate classification (germline): Conflicting classifications of pathogenicity. Review status: criteria provided, conflicting classifications (1 of 4 stars). 8 submissions from 8 submitters: Uncertain significance (6); Benign (1); Likely benign (1). Last evaluated 2025-12-19.

Conditions:
TSC2-related disorder. Also called: TSC2-related condition; TSC2-Related Disorders.
Hereditary cancer-predisposing syndrome. Also called: Neoplastic Syndromes, Hereditary; Hereditary Cancer Syndrome; Tumor predisposition; Hereditary neoplastic syndrome. Identifiers: Orphanet 140162, MedGen C0027672, MeSH D009386, MONDO:0015356.
Tuberous sclerosis syndrome (TSC). Also called: Tuberous Sclerosis Complex; Tuberous sclerosis. Identifiers: Orphanet 805, MedGen C0041341, MONDO:0001734.
Tuberous sclerosis 2 (TSC2). Identifiers: Orphanet 805, MedGen C1860707, MONDO:0013199, OMIM 613254.

Allele frequency attached by ClinVar (database versions not stated): gnomAD exomes below 0.00001; gnomAD 0.00001; TOPMed 0.00001.
gnomAD v4.1: 5 of 1,608,888 alleles (0.00031%); highest among the groups gnomAD compares: Admixed American, 0.0017%; no homozygotes.

Submissions (8):

PreventionGenetics, part of Exact Sciences
Classification: Uncertain significance for TSC2-related condition. Last evaluated: 2025-12-19. Review status: criteria provided, single submitter. Criteria: ACMG Guidelines, 2015. Collection method: clinical testing. Allele origin: germline.
Comment: The TSC2 c.4330C>G variant is predicted to result in the amino acid substitution p.Pro1444Ala. To our knowledge, this variant has not been reported in the literature. This variant is reported in 0.0029% of alleles in individuals of Latino descent in gnomAD and has conflicting interpretations of pathogenicity in ClinVar ranging from uncertain to benign (Variation ID: 486613). At this time, the clinical significance of this variant is uncertain due to the absence of conclusive functional and genetic evidence.

Labcorp Genetics (formerly Invitae), Labcorp
Classification: Benign for Tuberous sclerosis 2. Last evaluated: 2025-10-28. Review status: criteria provided, single submitter. Criteria: Invitae Variant Classification Sherloc (09022015). Collection method: clinical testing. Allele origin: germline.

Clinical Genomics Laboratory, Washington University in St. Louis
Classification: Uncertain significance for Tuberous sclerosis 2. Last evaluated: 2024-08-27. Review status: criteria provided, single submitter. Criteria: ACMG Guidelines, 2015. Collection method: clinical testing. Allele origin: germline.
Comment: A TSC2 c.4330C>G (p.Pro1444Ala) variant was identified at a near heterozygous allelic fraction of 46.6%, a frequency which may be consistent with germline origin. This variant, to our knowledge, has not been reported in the medical literature. It has been reported in the ClinVar database as a germline variant of uncertain significance by three submitters, likely benign by one submitter and benign by one submitter (ClinVar Variation ID: 486613). The TSC2 c.4330C>G (p.Pro1444Ala) variant is only observed on 5/1,608,888 alleles in the general population (gnomAD v.4.1.0), indicating it is not a common variant. Computational predictors are uncertain as to the impact of this variant on TSC2 function. Due to limited information, and based on ACMG/AMP guidelines for variant interpretation (Richards S et al., PMID: 25741868), the clinical significance of this variant is uncertain at this time.

Color Diagnostics, LLC DBA Color Health
Classification: Uncertain significance for Tuberous sclerosis syndrome. Last evaluated: 2024-03-06. Review status: criteria provided, single submitter. Criteria: ACMG Guidelines, 2015. Collection method: clinical testing. Allele origin: germline.
Comment: This missense variant replaces proline with alanine at codon 1444 of the TSC2 protein. Computational prediction suggests that this variant may not impact protein structure and function (internally defined REVEL score threshold <= 0.5, PMID: 27666373). To our knowledge, functional studies have not been reported for this variant. This variant has not been reported in individuals affected with TSC2-related disorders in the literature. This variant has been identified in 1/239996 chromosomes in the general population by the Genome Aggregation Database (gnomAD). The available evidence is insufficient to determine the role of this variant in disease conclusively. Therefore, this variant is classified as a Variant of Uncertain Significance.

Ambry Genetics
Classification: Likely benign for Hereditary cancer-predisposing syndrome. Last evaluated: 2024-02-19. Review status: criteria provided, single submitter. Criteria: Ambry Variant Classification Scheme 2023. Collection method: clinical testing. Allele origin: germline.

GeneDx
Classification: Uncertain significance. Last evaluated: 2023-11-16. Review status: criteria provided, single submitter. Criteria: GeneDx Variant Classification Process June 2021. Collection method: clinical testing. Allele origin: germline. Affected: yes.
Comment: In silico analysis supports that this missense variant has a deleterious effect on protein structure/function; Has not been previously published as pathogenic or benign to our knowledge

Genome-Nilou Lab
Classification: Uncertain significance for Tuberous sclerosis 2. Last evaluated: 2021-11-07. Review status: criteria provided, single submitter. Criteria: ACMG Guidelines, 2015. Collection method: clinical testing. Allele origin: germline. Affected: no.

Baylor Genetics
Classification: Uncertain significance for Tuberous sclerosis 2. Last evaluated: 2019-01-03. Review status: criteria provided, single submitter. Criteria: ACMG Guidelines, 2015. Collection method: clinical testing. Allele origin: unknown. Affected: yes.
Comment: This variant was determined to be of uncertain significance according to ACMG Guidelines, 2015 [PMID:25741868].